The following is an entry in ClinVar:

ClinVar aggregate classification (germline): Pathogenic. Review status: criteria provided, single submitter (1 of 4 stars). 2 submissions from 2 submitters: Pathogenic (1). 1 of the submissions does not count toward it. Last evaluated 2015-11-15.

Conditions:
Spondylocostal dysostosis 5 (SCDO5). Also called: SCOLIOSIS, CONGENITAL, WITH OR WITHOUT RIB ANOMALIES. Identifiers: MedGen C4083048, MONDO:0007389, OMIM 122600.

Submissions (2):

Lupski Lab, Baylor-Hopkins CMG, Baylor College of Medicine
Classification: Pathogenic for Spondylocostal dysostosis 5. Last evaluated: 2015-11-15. Review status: criteria provided, single submitter. Criteria: Wu et al. (N Engl J Med. 2015). Collection method: research. Allele origin: germline. Inheritance: Other. Affected: yes. Observed: 1 variant allele, 1 compound heterozygote.
Comment: The variant was found to be in trans with a high-risk TBX6 haplotype, T-C-A (rs2289292, rs3809624, rs3809627).

OMIM
Classification: Pathogenic for SPONDYLOCOSTAL DYSOSTOSIS 5. Last evaluated: 2015-01-22. Review status: no assertion criteria provided. Collection method: literature only. Allele origin: germline. Not counted in ClinVar's aggregate classification.

Literature cited by the submitters: PubMed 23335591 (cited by Lupski Lab, Baylor-Hopkins CMG, Baylor College of Medicine); PubMed 25564734 (cited by OMIM).

NM_004608.4(TBX6):c.1250dup (p.Leu419fs)

Gene: TBX6 (T-box transcription factor 6; minus strand). Cytogenetic location: 16p11.2.
Variant type: Duplication.
Coding change: c.1250dup on transcript NM_004608.4 (MANE Select); coding-DNA position 1250, one base duplicated (T; older notation c.1250dupT).
Protein change: p.Leu419fs; shifts the reading frame from leucine 419.
Molecular consequence: frameshift variant.
Genome position (GRCh38, 1-based): chr16:30,086,286, A duplicated on the plus strand (T on the coding strand, the reverse complement: TBX6 is on the minus strand); the first of 2 consecutive A bases (chr16:30,086,286-30,086,287); duplicating either gives the same sequence. VCF-style (leftmost placement, unchanged base first): chr16-30086285-G-GA. GRCh37 (hg19) VCF-style: chr16-30097606-G-GA.
Other names: c.1250dupT (NM_004608.3); short protein forms L419fs.
Identifiers: ClinVar variation 188054 (VCV000188054.2), dbSNP rs786204039, ClinGen allele CA198672.
Genomic context (GRCh38, chr16:30,086,285, plus strand): 5'-TCAGTACATGGGTTTGGAGCCCACATCCAGATAGCCCCCAGGCGCGGTGTATGGTAGAGG[G>GA]AAGGGGCCCCCTTGGAGAAAGTGCGGGGCAAAGGGTACCGCCGGTGGAGCCGCTGGGTAC-3'